The following is an entry in ClinVar:

NM_020971.3(SPTBN4):c.1217T>C (p.Leu406Pro)

Gene: SPTBN4 (spectrin beta, non-erythrocytic 4; plus strand). Cytogenetic location: 19q13.2.
Variant type: single nucleotide variant.
Coding change: c.1217T>C on transcript NM_020971.3 (MANE Select); coding-DNA position 1217, T replaced by C.
Protein change: p.Leu406Pro; replaces leucine 406 with proline.
Molecular consequence: missense variant.
Genome position (GRCh38, 1-based): chr19:40,502,788, T>C. VCF-style: chr19-40502788-T-C. GRCh37 (hg19) VCF-style: chr19-41008695-T-C.
Other names: short protein forms L406P.
Identifiers: ClinVar variation 3362455 (VCV003362455.2).

ClinVar aggregate classification (germline): Conflicting classifications of pathogenicity. Review status: criteria provided, conflicting classifications (1 of 4 stars). 2 submissions from 2 submitters: Likely pathogenic (1); Uncertain significance (1). Last evaluated 2025-06-29.

Conditions:
Neurodevelopmental disorder with hypotonia, neuropathy, and deafness (NEDHND). Also called: Myopathy, congenital, with neuropathy and deafness; SPTBN4 Disorder. Identifiers: MedGen C4479603, MONDO:0060496, OMIM 617519.

Submissions (2):

3billion
Classification: Uncertain significance for Neurodevelopmental disorder with hypotonia, neuropathy, and deafness. Last evaluated: 2025-06-29. Review status: criteria provided, single submitter. Criteria: ACMG Guidelines, 2015. Collection method: clinical testing. Allele origin: germline. Affected: yes.
Comment: The variant is not observed in the gnomAD v4.1.0 dataset. Predicted Consequence/Location: Missense variant In silico tool predictions suggest damaging effect of the variant on gene or gene product [REVEL: 0.95 (>=0.6, sensitivity 0.68 and specificity 0.92); 3Cnet: 0.92 (> 0.75, sensitivity 0.96 and precision 0.92)]. The same nucleotide change resulting in the same amino acid change has been previously reported to be associated with SPTBN4-related disorder (ClinVar ID: VCV003362455 /PMID: 31130284). However, the evidence of pathogenicity is insufficient at this time. Therefore, this variant is classified as VUS according to the recommendation of ACMG/AMP guideline.

Genomic Medicine Center of Excellence, King Faisal Specialist Hospital and Research Centre
Classification: Likely pathogenic for Neurodevelopmental disorder with hypotonia, neuropathy, and deafness. Last evaluated: 2024-09-22. Review status: criteria provided, single submitter. Criteria: ACMG Guidelines, 2015. Collection method: clinical testing. Allele origin: germline.

Literature cited by the submitters: PubMed 31130284 (cited by 3billion).